The following is an entry in ClinVar:

ClinVar aggregate classification (germline): Uncertain significance (1 of 4 stars; one submission).

gnomAD v4.1: 1 of 1,608,932 alleles (0.000062%); highest among the groups gnomAD compares: Non-Finnish European, 0.000085%; no homozygotes.

Submission:

GeneDx
Classification: Uncertain significance. Last evaluated: 2024-11-09. Review status: criteria provided, single submitter. Criteria: GeneDx Variant Classification Process June 2021. Collection method: clinical testing. Allele origin: germline. Affected: yes.
Comment: Not observed at significant frequency in large population cohorts (gnomAD); In silico analysis supports that this missense variant has a deleterious effect on protein structure/function; Has not been previously published as pathogenic or benign to our knowledge

NM_003070.5(SMARCA2):c.2435G>A (p.Arg812His)

Gene: SMARCA2 (SWI/SNF related BAF chromatin remodeling complex subunit ATPase 2; plus strand). Cytogenetic location: 9p24.3.
Variant type: single nucleotide variant.
Coding change: c.2435G>A on transcript NM_003070.5 (MANE Select); coding-DNA position 2435, G replaced by A.
Protein change: p.Arg812His; replaces arginine 812 with histidine.
Molecular consequence: missense variant.
Genome position (GRCh38, 1-based): chr9:2,084,105, G>A. VCF-style: chr9-2084105-G-A. GRCh37 (hg19) VCF-style: chr9-2084105-G-A.
Other names: c.2435G>A, p.Arg812His (NM_001289396.2, NM_001289397.2, NM_139045.4); short protein forms R812H.
Identifiers: ClinVar variation 3898793 (VCV003898793.1).